The following is an entry in ClinVar:

ClinVar aggregate classification (germline): Uncertain significance (1 of 4 stars; one submission).

Conditions:
Idiopathic Pulmonary Fibrosis. Also called: Idiopathic fibrosing alveolitis, chronic form; idiopathic fibrosing alveolitis. Identifiers: Orphanet 2032, MedGen C1800706, MeSH D054990, MONDO:0800504.
Dyskeratosis congenita, autosomal dominant 2. Identifiers: MedGen C3151443, MONDO:0013521, OMIM 613989.

Submission:

Labcorp Genetics (formerly Invitae), Labcorp
Classification: Uncertain significance for Dyskeratosis congenita, autosomal dominant 2; Idiopathic Pulmonary Fibrosis. Last evaluated: 2021-05-18. Review status: criteria provided, single submitter. Criteria: Invitae Variant Classification Sherloc (09022015). Collection method: clinical testing. Allele origin: germline.
Comment: While this variant is not present in population databases, the frequency information is unreliable, as metrics indicate poor data quality at this position in the ExAC database. This variant has not been reported in the literature in individuals with TERT-related disease. Algorithms developed to predict the effect of missense changes on protein structure and function output the following: SIFT: "Deleterious"; PolyPhen-2: "Benign"; Align-GVGD: "Class C0". The arginine amino acid residue is found in multiple mammalian species, suggesting that this missense change does not adversely affect protein function. These predictions have not been confirmed by published functional studies and their clinical significance is uncertain. In summary, the available evidence is currently insufficient to determine the role of this variant in disease. Therefore, it has been classified as a Variant of Uncertain Significance. This sequence change replaces leucine with arginine at codon 415 of the TERT protein (p.Leu415Arg). The leucine residue is weakly conserved and there is a moderate physicochemical difference between leucine and arginine.

NM_198253.3(TERT):c.1244T>G (p.Leu415Arg)

Gene: TERT (telomerase reverse transcriptase; minus strand). Cytogenetic location: 5p15.33.
Variant type: single nucleotide variant.
Coding change: c.1244T>G on transcript NM_198253.3 (MANE Select); coding-DNA position 1244, T replaced by G.
Protein change: p.Leu415Arg; replaces leucine 415 with arginine.
Molecular consequence: missense variant. On other transcripts: non-coding transcript variant (2).
Genome position (GRCh38, 1-based): chr5:1,293,642, A>C on the plus strand (T>G on the coding strand, the complement: TERT is on the minus strand). VCF-style: chr5-1293642-A-C. GRCh37 (hg19) VCF-style: chr5-1293757-A-C.
Other names: c.1244T>G, p.Leu415Arg (NM_001193376.3); short protein forms L415R.
Identifiers: ClinVar variation 573186 (VCV000573186.9), dbSNP rs1561213606, ClinGen allele CA359086446.